The following is an entry in ClinVar:

NM_000138.5(FBN1):c.4943-1G>C

Gene: FBN1 (fibrillin 1; minus strand). Cytogenetic location: 15q21.1.
Variant type: single nucleotide variant.
Coding change: c.4943-1G>C on transcript NM_000138.5 (MANE Select); the canonical splice acceptor site of the intron before coding-DNA position 4943, G replaced by C.
Molecular consequence: splice acceptor variant.
Genome position (GRCh38, 1-based): chr15:48,464,022, C>G on the plus strand (G>C on the coding strand, the complement: FBN1 is on the minus strand). VCF-style: chr15-48464022-C-G. GRCh37 (hg19) VCF-style: chr15-48756219-C-G.
Other names: c.4943-1G>C (LRG_778t1, NM_001406716.1).
Identifiers: ClinVar variation 1325424 (VCV001325424.7), dbSNP rs1555396863, ClinGen allele CA392350592.

ClinVar aggregate classification (germline): Pathogenic/Likely pathogenic. Review status: criteria provided, multiple submitters, no conflicts (2 of 4 stars). 2 submissions from 2 submitters: Pathogenic (1); Likely pathogenic (1). Last evaluated 2022-06-19.

Conditions:
Marfan syndrome (MFS). Also called: Marfan syndrome type 1; Marfan's syndrome; FBN1-Related Marfan Syndrome; MARFAN SYNDROME, TYPE I; Marfan syndrome, classic. Identifiers: Orphanet 284963, Orphanet 558, MedGen C0024796, MONDO:0007947, OMIM 154700.
Familial thoracic aortic aneurysm and aortic dissection (TAAD). Also called: Thoracic aortic aneurysms and dissections. Identifiers: Orphanet 91387, MedGen C4707243, MONDO:0019625.

Submissions (2):

Labcorp Genetics (formerly Invitae), Labcorp
Classification: Pathogenic for Marfan syndrome; Familial thoracic aortic aneurysm and aortic dissection. Last evaluated: 2022-06-19. Review status: criteria provided, single submitter. Criteria: Invitae Variant Classification Sherloc (09022015). Collection method: clinical testing. Allele origin: germline.
Comment: For these reasons, this variant has been classified as Pathogenic. Algorithms developed to predict the effect of sequence changes on RNA splicing suggest that this variant may disrupt the consensus splice site. Disruption of this splice site has been observed in individuals with Marfan syndrome (PMID: 10464652, 25907466, 27906200). This variant is not present in population databases (gnomAD no frequency). This sequence change affects an acceptor splice site in intron 40 of the FBN1 gene. It is expected to disrupt RNA splicing. Variants that disrupt the donor or acceptor splice site typically lead to a loss of protein function (PMID: 16199547), and loss-of-function variants in FBN1 are known to be pathogenic (PMID: 17657824, 19293843).

Centre of Medical Genetics, University of Antwerp
Classification: Likely pathogenic for Marfan syndrome. Last evaluated: 2021-03-01. Review status: criteria provided, single submitter. Criteria: Submitter's publication. Collection method: research. Allele origin: unknown. Affected: yes.
Comment: PM2, PS7, PP4

Literature cited by the submitters: PubMed 10464652 (cited by Labcorp Genetics (formerly Invitae), Labcorp); PubMed 25907466 (cited by Labcorp Genetics (formerly Invitae), Labcorp); PubMed 27906200 (cited by Labcorp Genetics (formerly Invitae), Labcorp); PubMed 16199547 (cited by Labcorp Genetics (formerly Invitae), Labcorp); PubMed 17657824 (cited by Labcorp Genetics (formerly Invitae), Labcorp); PubMed 19293843 (cited by Labcorp Genetics (formerly Invitae), Labcorp).